The following is an entry in ClinVar:

NM_001291415.2(KDM6A):c.221G>T (p.Gly74Val)

Gene: KDM6A (lysine demethylase 6A; plus strand). Cytogenetic location: Xp11.3.
Variant type: single nucleotide variant.
Coding change: c.221G>T on transcript NM_001291415.2 (MANE Select); coding-DNA position 221, G replaced by T.
Protein change: p.Gly74Val; replaces glycine 74 with valine.
Molecular consequence: missense variant. On other transcripts: 5 prime UTR variant (1), non-coding transcript variant (1).
Genome position (GRCh38, 1-based): chrX:44,873,983, G>T. VCF-style: chrX-44873983-G-T. GRCh37 (hg19) VCF-style: chrX-44733229-G-T.
Other names: c.221G>T, p.Gly74Val (NM_001291416.2, NM_001291417.2, NM_001291418.2 and 1 more transcripts); c.-412G>T (NM_001291421.2); short protein forms G74V.
Identifiers: ClinVar variation 1305146 (VCV001305146.2), dbSNP rs2146448681, ClinGen allele CA413020562.

ClinVar aggregate classification (germline): Uncertain significance (1 of 4 stars; one submission).

Allele frequency attached by ClinVar (database versions not stated): gnomAD exomes below 0.00001.
gnomAD v4.1: 1 of 1,209,273 alleles (0.000083%); no homozygotes.

Submission:

GeneDx
Classification: Uncertain significance. Last evaluated: 2019-04-29. Review status: criteria provided, single submitter. Criteria: GeneDx Variant Classification Process June 2021. Collection method: clinical testing. Allele origin: germline. Affected: yes.
Comment: Not observed in large population cohorts (Lek et al., 2016); In silico analysis, which includes protein predictors and evolutionary conservation, supports a deleterious effect; Has not been previously published as pathogenic or benign to our knowledge